The following is an entry in ClinVar:

ClinVar aggregate classification (germline): Pathogenic/Likely pathogenic. Review status: criteria provided, multiple submitters, no conflicts (2 of 4 stars). 6 submissions from 6 submitters: Pathogenic (4); Likely pathogenic (2). Last evaluated 2025-04-14.

Conditions:
USH2A-related disorder. Also called: USH2A-related condition; USH2A-related disorders. Identifiers: MedGen CN239332.
Retinitis pigmentosa 39 (RP39). Identifiers: Orphanet 791, MedGen C3151138, MONDO:0013436, OMIM 613809.
Usher syndrome type 2A. Also called: RETINAL DISEASE IN USHER SYNDROME TYPE IIA, MODIFIER OF; USHER SYNDROME, TYPE IIA. Identifiers: Orphanet 231178, Orphanet 886, MedGen C1848634, MONDO:0010169, OMIM 276901.

Submissions (6):

Natera, Inc.
Classification: Pathogenic for Usher syndrome type 2A. Last evaluated: 2025-04-14. Review status: criteria provided, single submitter. Criteria: Natera Variant Classification Schema (03/2026). Collection method: clinical testing. Allele origin: germline.
Comment: The c.13595_13596delCC variant in USH2A is a frameshift variant predicted to shift the reading frame beginning at codon 4532 and leads to a stop codon 29 codons downstream. This variant is expected to result in nonsense mediated decay, truncation, or a dysfunctional protein product. This variant is rare in the general population with a frequency below the threshold expected for the associated phenotype(s). This variant has been observed in one or more individuals affected with the associated recessive disease, as either homozygous or compound heterozygous with a second variant (PMID: 24944099). Given the available evidence, this variant is classified as Pathogenic.

Labcorp Genetics (formerly Invitae), Labcorp
Classification: Pathogenic. Last evaluated: 2025-04-01. Review status: criteria provided, single submitter. Criteria: Invitae Variant Classification Sherloc (09022015). Collection method: clinical testing. Allele origin: germline.
Comment: This sequence change creates a premature translational stop signal (p.Pro4532Leufs*29) in the USH2A gene. It is expected to result in an absent or disrupted protein product. Loss-of-function variants in USH2A are known to be pathogenic (PMID: 10729113, 10909849, 20507924, 25649381). This variant is present in population databases (no rsID available, gnomAD 0.007%). This premature translational stop signal has been observed in individual(s) with Usher syndrome (PMID: 24944099). In at least one individual the data is consistent with being in trans (on the opposite chromosome) from a pathogenic variant. ClinVar contains an entry for this variant (Variation ID: 865801). For these reasons, this variant has been classified as Pathogenic.

GeneDx
Classification: Pathogenic. Last evaluated: 2024-09-13. Review status: criteria provided, single submitter. Criteria: GeneDx Variant Classification Process June 2021. Collection method: clinical testing. Allele origin: germline. Affected: yes.
Comment: Frameshift variant predicted to result in protein truncation or nonsense mediated decay in a gene for which loss of function is a known mechanism of disease; Not observed at significant frequency in large population cohorts (gnomAD); This variant is associated with the following publications: (PMID: 31964843, 24944099)

Genome-Nilou Lab
Classification: Likely pathogenic for Retinitis pigmentosa 39. Last evaluated: 2023-11-04. Review status: criteria provided, single submitter. Criteria: ACMG Guidelines, 2015. Collection method: clinical testing. Allele origin: germline. Affected: no.

Baylor Genetics
Classification: Pathogenic for Retinitis pigmentosa 39. Last evaluated: 2023-08-17. Review status: criteria provided, single submitter. Criteria: ACMG Guidelines, 2015. Collection method: clinical testing. Allele origin: unknown.

Blueprint Genetics
Classification: Likely pathogenic for USH2A-related disorders. Last evaluated: 2020-03-16. Review status: criteria provided, single submitter. Criteria: ACMG Guidelines, 2015. Collection method: clinical testing. Allele origin: germline. Affected: yes. Observed: 1 variant allele.

Literature cited by the submitters: PubMed 24944099 (cited by Natera, Inc. and Labcorp Genetics (formerly Invitae), Labcorp); PubMed 10729113 (cited by Labcorp Genetics (formerly Invitae), Labcorp); PubMed 10909849 (cited by Labcorp Genetics (formerly Invitae), Labcorp); PubMed 20507924 (cited by Labcorp Genetics (formerly Invitae), Labcorp); PubMed 25649381 (cited by Labcorp Genetics (formerly Invitae), Labcorp).

NM_206933.4(USH2A):c.13595_13596del (p.Pro4532fs)

Gene: USH2A (usherin; minus strand). Cytogenetic location: 1q41.
Variant type: Deletion.
Coding change: c.13595_13596del on transcript NM_206933.4 (MANE Select); coding-DNA positions 13595 to 13596, 2 bases deleted (CC; older notation c.13595_13596delCC).
Protein change: p.Pro4532fs; shifts the reading frame from proline 4532.
Molecular consequence: frameshift variant.
Genome position (GRCh38, 1-based): chr1:215,674,315-215,674,316, GG deleted on the plus strand (CC on the coding strand, the reverse complement: USH2A is on the minus strand); deleting any 2 consecutive bases within chr1:215,674,315-215,674,317 gives the same sequence; the c. name uses the placement nearest the transcript's 3' end. VCF-style (leftmost placement, unchanged base first): chr1-215674314-AGG-A. GRCh37 (hg19) VCF-style: chr1-215847656-AGG-A.
Other names: c.13595_13596delCC (NM_206933.2); short protein forms P4532fs.
Identifiers: ClinVar variation 865801 (VCV000865801.14), dbSNP rs1485393201, ClinGen allele CA529002046.